The following is an entry in ClinVar:

NM_006017.3(PROM1):c.1289A>C (p.Tyr430Ser)

Gene: PROM1 (prominin 1; minus strand). Cytogenetic location: 4p15.32.
Variant type: single nucleotide variant.
Coding change: c.1289A>C on transcript NM_006017.3 (MANE Select); coding-DNA position 1289, A replaced by C.
Protein change: p.Tyr430Ser; replaces tyrosine 430 with serine.
Molecular consequence: missense variant.
Genome position (GRCh38, 1-based): chr4:16,008,961, T>G on the plus strand (A>C on the coding strand, the complement: PROM1 is on the minus strand). VCF-style: chr4-16008961-T-G. GRCh37 (hg19) VCF-style: chr4-16010584-T-G.
Other names: c.1262A>C, p.Tyr421Ser (NM_001145847.2, NM_001145848.2, NM_001145851.2 and 4 more transcripts); c.1289A>C, p.Tyr430Ser (NM_001145849.2, NM_001145850.2); short protein forms Y421S, Y430S.
Identifiers: ClinVar variation 1046075 (VCV001046075.9), dbSNP rs1324976779, ClinGen allele CA356436479.

ClinVar aggregate classification (germline): Uncertain significance. Review status: criteria provided, multiple submitters, no conflicts (2 of 4 stars). 2 submissions from 2 submitters: Uncertain significance (2). Last evaluated 2022-08-13.

gnomAD v4.1: 2 of 1,588,852 alleles (0.00013%); highest among the groups gnomAD compares: Non-Finnish European, 0.00017%; no homozygotes.

Submissions (2):

Labcorp Genetics (formerly Invitae), Labcorp
Classification: Uncertain significance. Last evaluated: 2022-08-13. Review status: criteria provided, single submitter. Criteria: Invitae Variant Classification Sherloc (09022015). Collection method: clinical testing. Allele origin: germline.
Comment: This sequence change replaces tyrosine, which is neutral and polar, with serine, which is neutral and polar, at codon 430 of the PROM1 protein (p.Tyr430Ser). This variant is not present in population databases (gnomAD no frequency). This variant has not been reported in the literature in individuals affected with PROM1-related conditions. ClinVar contains an entry for this variant (Variation ID: 1046075). Algorithms developed to predict the effect of missense changes on protein structure and function are either unavailable or do not agree on the potential impact of this missense change (SIFT: "Tolerated"; PolyPhen-2: "Possibly Damaging"; Align-GVGD: "Class C0"). In summary, the available evidence is currently insufficient to determine the role of this variant in disease. Therefore, it has been classified as a Variant of Uncertain Significance.

Blueprint Genetics
Classification: Uncertain significance. Last evaluated: 2020-10-09. Review status: criteria provided, single submitter. Criteria: ACMG Guidelines, 2015. Collection method: clinical testing. Allele origin: germline.